The following is an entry in ClinVar:

ClinVar aggregate classification (germline): Uncertain significance (1 of 4 stars; one submission).

Submission:

CeGaT Center for Human Genetics Tuebingen
Classification: Uncertain significance. Last evaluated: 2026-09-01. Review status: criteria provided, single submitter. Criteria: CeGaT Center For Human Genetics Tuebingen Variant Classification Criteria Version 2. Collection method: clinical testing. Allele origin: germline. Affected: yes. Observed: 1 variant allele.
Comment: DUSP6: PM2

NM_001946.4(DUSP6):c.300G>C (p.Glu100Asp)

Genes: DUSP6 (dual specificity phosphatase 6; minus strand), POC1B-DUSP6 (POC1B-DUSP6 readthrough; minus strand). Cytogenetic location: 12q21.33.
Variant type: single nucleotide variant.
Coding change: c.300G>C on transcript NM_001946.4 (MANE Select); coding-DNA position 300, G replaced by C.
Protein change: p.Glu100Asp; replaces glutamic acid 100 with aspartic acid.
Molecular consequence: missense variant. On other transcripts: intron variant (3).
Genome position (GRCh38, 1-based): chr12:89,351,740, C>G on the plus strand (G>C on the coding strand, the complement: DUSP6 is on the minus strand). VCF-style: chr12-89351740-C-G. GRCh37 (hg19) VCF-style: chr12-89745517-C-G.
Other names: c.300G>C, p.Glu100Asp (NM_022652.4); c.643-2179G>C (NM_001425796.1); c.1033-2179G>C (NM_001425795.1); c.1114-2179G>C (NM_001425794.1); short protein forms E100D.
Identifiers: ClinVar variation 5040822 (VCV005040822.1).